The following is an entry in ClinVar:

NM_005535.3(IL12RB1):c.1201T>C (p.Trp401Arg)

Gene: IL12RB1 (interleukin 12 receptor subunit beta 1; minus strand). Cytogenetic location: 19p13.11.
Variant type: single nucleotide variant.
Coding change: c.1201T>C on transcript NM_005535.3 (MANE Select); coding-DNA position 1201, T replaced by C.
Protein change: p.Trp401Arg; replaces tryptophan 401 with arginine.
Molecular consequence: missense variant.
Genome position (GRCh38, 1-based): chr19:18,068,515, A>G on the plus strand (T>C on the coding strand, the complement: IL12RB1 is on the minus strand). VCF-style: chr19-18068515-A-G. GRCh37 (hg19) VCF-style: chr19-18179325-A-G.
Other names: c.1201T>C, p.Trp401Arg (NM_001290023.2); c.1321T>C, p.Trp441Arg (NM_001290024.2); short protein forms W441R, W401R.
Identifiers: ClinVar variation 1443007 (VCV001443007.5), dbSNP rs1416312567, ClinGen allele CA404777975.

ClinVar aggregate classification (germline): Uncertain significance (1 of 4 stars; one submission).

Conditions:
Mendelian susceptibility to mycobacterial diseases due to complete IL12RB1 deficiency. Also called: IL12RB1 DEFICIENCY; Immunodeficiency 30. Identifiers: Orphanet 319552, MedGen C4013949, MONDO:0013955, OMIM 614891.

Allele frequency attached by ClinVar (database versions not stated): gnomAD exomes below 0.00001 and 0.00001; TOPMed below 0.00001.
gnomAD v4.1: 3 of 1,612,798 alleles (0.00019%); highest among the groups gnomAD compares: Non-Finnish European, 0.00017%; no homozygotes.

Submission:

Labcorp Genetics (formerly Invitae), Labcorp
Classification: Uncertain significance for Mendelian susceptibility to mycobacterial diseases due to complete IL12RB1 deficiency. Last evaluated: 2022-06-20. Review status: criteria provided, single submitter. Criteria: Invitae Variant Classification Sherloc (09022015). Collection method: clinical testing. Allele origin: germline.
Comment: This sequence change replaces tryptophan, which is neutral and slightly polar, with arginine, which is basic and polar, at codon 401 of the IL12RB1 protein (p.Trp401Arg). This variant is present in population databases (no rsID available, gnomAD 0.002%). This variant has not been reported in the literature in individuals affected with IL12RB1-related conditions. Algorithms developed to predict the effect of missense changes on protein structure and function output the following: SIFT: "Tolerated"; PolyPhen-2: "Benign"; Align-GVGD: "Class C0". The arginine amino acid residue is found in multiple mammalian species, which suggests that this missense change does not adversely affect protein function. In summary, the available evidence is currently insufficient to determine the role of this variant in disease. Therefore, it has been classified as a Variant of Uncertain Significance.